The following is an entry in ClinVar:

NM_000051.4(ATM):c.4611+4A>G

Gene: ATM (ATM serine/threonine kinase; plus strand). Cytogenetic location: 11q22.3.
Variant type: single nucleotide variant.
Coding change: c.4611+4A>G on transcript NM_000051.4 (MANE Select); 4 bases into the intron after coding-DNA position 4611, A replaced by G.
Molecular consequence: intron variant.
Genome position (GRCh38, 1-based): chr11:108,292,797, A>G. VCF-style: chr11-108292797-A-G. GRCh37 (hg19) VCF-style: chr11-108163524-A-G.
Other names: c.4611+4A>G (NM_001351834.2).
Identifiers: ClinVar variation 662254 (VCV000662254.13), dbSNP rs1591674933, ClinGen allele CA915944425.

ClinVar aggregate classification (germline): Uncertain significance. Review status: criteria provided, multiple submitters, no conflicts (2 of 4 stars). 3 submissions from 3 submitters: Uncertain significance (2). 1 of the submissions does not count toward it. Last evaluated 2026-01-21.

Conditions:
Ataxia-telangiectasia syndrome (AT). Also called: Ataxia telangiectasia (A-T); Cerebello-oculocutaneous telangiectasia; Immunodeficiency with ataxia telangiectasia; Ataxia-telangiectasia, complementation group D; ATAXIA-TELANGIECTASIA, COMPLEMENTATION GROUP A; ATAXIA-TELANGIECTASIA, FRESNO VARIANT. Identifiers: Orphanet 100, MedGen C0004135, MONDO:0008840, OMIM 208900.
Hereditary cancer-predisposing syndrome. Also called: Neoplastic Syndromes, Hereditary; Hereditary neoplastic syndrome; Tumor predisposition; Hereditary Cancer Syndrome. Identifiers: Orphanet 140162, MedGen C0027672, MeSH D009386, MONDO:0015356.

Allele frequency attached by ClinVar (database versions not stated): gnomAD below 0.00001 and 0.00001; gnomAD exomes below 0.00001.
gnomAD v4.1: 5 of 1,613,296 alleles (0.00031%); highest among the groups gnomAD compares: South Asian, 0.0033%; no homozygotes.

Submissions (3):

Ambry Genetics
Classification: Uncertain significance for Hereditary cancer-predisposing syndrome. Last evaluated: 2026-01-21. Review status: criteria provided, single submitter. Criteria: Ambry Variant Classification Scheme 2023. Collection method: clinical testing. Allele origin: germline.
Comment: The c.4611+4A>G intronic variant results from an A to G substitution 4 nucleotides after coding exon 29 in the ATM gene. This nucleotide position is well conserved in available vertebrate species. In silico splice site analysis predicts that this alteration will weaken the native splice donor site; however, direct evidence is insufficient at this time (Ambry internal data). Since supporting evidence is limited at this time, the clinical significance of this alteration remains unclear.

Labcorp Genetics (formerly Invitae), Labcorp
Classification: Uncertain significance for Ataxia-telangiectasia syndrome. Last evaluated: 2024-12-02. Review status: criteria provided, single submitter. Criteria: Invitae Variant Classification Sherloc (09022015). Collection method: clinical testing. Allele origin: germline.
Comment: This sequence change falls in intron 30 of the ATM gene. It does not directly change the encoded amino acid sequence of the ATM protein. RNA analysis indicates that this variant induces altered splicing and may result in an absent or altered protein product. This variant is not present in population databases (gnomAD no frequency). This variant has not been reported in the literature in individuals affected with ATM-related conditions. ClinVar contains an entry for this variant (Variation ID: 662254). Variants that disrupt the consensus splice site are a relatively common cause of aberrant splicing (PMID: 17576681, 9536098). Studies have shown that this variant results in skipping of exon 30, and produces a non-functional protein and/or introduces a premature termination codon (internal data). In summary, the available evidence is currently insufficient to determine the role of this variant in disease. Therefore, it has been classified as a Variant of Uncertain Significance.

Natera, Inc.
Classification: Uncertain significance for Ataxia-telangiectasia. Last evaluated: 2025-03-25. Review status: no assertion criteria provided. Collection method: clinical testing. Allele origin: germline. Not counted in ClinVar's aggregate classification.

Literature cited by the submitters: PubMed 17576681 (cited by Labcorp Genetics (formerly Invitae), Labcorp); PubMed 9536098 (cited by Labcorp Genetics (formerly Invitae), Labcorp).